The following is an entry in ClinVar:

NM_000064.4(C3):c.2942T>C (p.Leu981Pro)

Gene: C3 (complement C3; minus strand). Cytogenetic location: 19p13.3.
Variant type: single nucleotide variant.
Coding change: c.2942T>C on transcript NM_000064.4 (MANE Select); coding-DNA position 2942, T replaced by C.
Protein change: p.Leu981Pro; replaces leucine 981 with proline.
Molecular consequence: missense variant.
Genome position (GRCh38, 1-based): chr19:6,696,387, A>G on the plus strand (T>C on the coding strand, the complement: C3 is on the minus strand). VCF-style: chr19-6696387-A-G. GRCh37 (hg19) VCF-style: chr19-6696398-A-G.
Other names: short protein forms L981P.
Identifiers: ClinVar variation 1719610 (VCV001719610.5), dbSNP rs2512246059, ClinGen allele CA403631114.
Genomic context (GRCh38, chr19:6,696,387, plus strand): 5'-CTCCATCCATGCCCTCCTGGGACCCATGGGGTCGGGGTCAAGGGTGTCTCACCTTGCAGG[A>G]GAATTCTGGTCTCAGACTCGGTGTCCGGGACTTGGTCACTGAGGTCTGCAGGTGGGATGT-3'
Protein context (NP_000055.2, residues 971-991): VPDTESETRI[Leu981Pro]LQGTPVAQMT

ClinVar aggregate classification (germline): Uncertain significance (1 of 4 stars; one submission).

Submission:

Labcorp Genetics (formerly Invitae), Labcorp
Classification: Uncertain significance. Last evaluated: 2022-09-16. Review status: criteria provided, single submitter. Criteria: Invitae Variant Classification Sherloc (09022015). Collection method: clinical testing. Allele origin: germline.
Comment: This variant has not been reported in the literature in individuals affected with C3-related conditions. This sequence change replaces leucine, which is neutral and non-polar, with proline, which is neutral and non-polar, at codon 981 of the C3 protein (p.Leu981Pro). This variant is not present in population databases (gnomAD no frequency). Algorithms developed to predict the effect of missense changes on protein structure and function (SIFT, PolyPhen-2, Align-GVGD) all suggest that this variant is likely to be tolerated. In summary, the available evidence is currently insufficient to determine the role of this variant in disease. Therefore, it has been classified as a Variant of Uncertain Significance.